The following is an entry in ClinVar:

NM_000038.6(APC):c.4703A>G (p.Asp1568Gly)

Gene: APC (APC regulator of Wnt signaling pathway; plus strand). Cytogenetic location: 5q22.2.
Variant type: single nucleotide variant.
Coding change: c.4703A>G on transcript NM_000038.6 (MANE Select); coding-DNA position 4703, A replaced by G.
Protein change: p.Asp1568Gly; replaces aspartic acid 1568 with glycine.
Molecular consequence: missense variant.
Genome position (GRCh38, 1-based): chr5:112,840,297, A>G. VCF-style: chr5-112840297-A-G. GRCh37 (hg19) VCF-style: chr5-112175994-A-G.
Other names: c.4703A>G, p.Asp1568Gly (NM_001127510.3, NM_001354895.2, NM_001407450.1); c.4649A>G, p.Asp1550Gly (NM_001127511.3); c.4757A>G, p.Asp1586Gly (NM_001354896.2, NM_001407447.1, NM_001407448.1 and 1 more transcripts); c.4733A>G, p.Asp1578Gly (NM_001354897.2); c.4628A>G, p.Asp1543Gly (NM_001354898.2); c.4619A>G, p.Asp1540Gly (NM_001354899.2); c.4580A>G, p.Asp1527Gly (NM_001354900.2); c.4526A>G, p.Asp1509Gly (NM_001354901.2, NM_001407453.1); and 11 more; short protein forms D1509G, D1527G, D1285G, D1442G, D1550G, D1561G, D1184G, D1408G.
Identifiers: ClinVar variation 1742562 (VCV001742562.9), dbSNP rs1765747016, ClinGen allele CA16031644.

ClinVar aggregate classification (germline): Uncertain significance. Review status: criteria provided, multiple submitters, no conflicts (2 of 4 stars). 3 submissions from 3 submitters: Uncertain significance (3). Last evaluated 2024-09-02.

Conditions:
Hereditary cancer-predisposing syndrome. Also called: Hereditary Cancer Syndrome; Hereditary neoplastic syndrome; Neoplastic Syndromes, Hereditary; Tumor predisposition. Identifiers: Orphanet 140162, MedGen C0027672, MeSH D009386, MONDO:0015356.
Familial adenomatous polyposis 1 (FAP1). Also called: FAMILIAL ADENOMATOUS POLYPOSIS 1, ATTENUATED; POLYPOSIS, ADENOMATOUS INTESTINAL. Identifiers: MedGen C2713442, MONDO:0021056, OMIM 175100. Disease mechanism: loss of function.

Allele frequency attached by ClinVar (database versions not stated): gnomAD exomes below 0.00001.
gnomAD v4.1: 1 of 1,614,156 alleles (0.000062%); highest among the groups gnomAD compares: Non-Finnish European, 0.000085%; no homozygotes.

Submissions (3):

Labcorp Genetics (formerly Invitae), Labcorp
Classification: Uncertain significance for Familial adenomatous polyposis 1. Last evaluated: 2024-09-02. Review status: criteria provided, single submitter. Criteria: Invitae Variant Classification Sherloc (09022015). Collection method: clinical testing. Allele origin: germline.
Comment: This sequence change replaces aspartic acid, which is acidic and polar, with glycine, which is neutral and non-polar, at codon 1568 of the APC protein (p.Asp1568Gly). This variant is not present in population databases (gnomAD no frequency). This variant has not been reported in the literature in individuals affected with APC-related conditions. ClinVar contains an entry for this variant (Variation ID: 1742562). Invitae Evidence Modeling of protein sequence and biophysical properties (such as structural, functional, and spatial information, amino acid conservation, physicochemical variation, residue mobility, and thermodynamic stability) indicates that this missense variant is not expected to disrupt APC protein function with a negative predictive value of 95%. In summary, the available evidence is currently insufficient to determine the role of this variant in disease. Therefore, it has been classified as a Variant of Uncertain Significance.

Color Diagnostics, LLC DBA Color Health
Classification: Uncertain significance for Hereditary cancer-predisposing syndrome. Last evaluated: 2023-11-06. Review status: criteria provided, single submitter. Criteria: ACMG Guidelines, 2015. Collection method: clinical testing. Allele origin: germline.
Comment: This missense variant replaces aspartic acid with glycine at codon 1568 of the APC protein. Computational prediction suggests that this variant may not impact protein structure and function (internally defined REVEL score threshold <= 0.5, PMID: 27666373). To our knowledge, functional studies have not been reported for this variant. This variant has not been reported in individuals affected with APC-related disorders in the literature. This variant has not been identified in the general population by the Genome Aggregation Database (gnomAD). The available evidence is insufficient to determine the role of this variant in disease conclusively. Therefore, this variant is classified as a Variant of Uncertain Significance.

Ambry Genetics
Classification: Uncertain significance for Hereditary cancer-predisposing syndrome. Last evaluated: 2021-05-25. Review status: criteria provided, single submitter. Criteria: Ambry Variant Classification Scheme 2023. Collection method: clinical testing. Allele origin: germline.
Comment: The p.D1568G variant (also known as c.4703A>G), located in coding exon 15 of the APC gene, results from an A to G substitution at nucleotide position 4703. The aspartic acid at codon 1568 is replaced by glycine, an amino acid with similar properties. This amino acid position is highly conserved in available vertebrate species. In addition, in silico predictors for this gene do not accurately predict pathogenicity. Since supporting evidence is limited at this time, the clinical significance of this alteration remains unclear.